The following is an entry in ClinVar:

NM_001282874.2(SMARCA1):c.1700A>G (p.Lys567Arg)

Gene: SMARCA1 (SNF2 related chromatin remodeling ATPase 1; minus strand). Cytogenetic location: Xq25.
Variant type: single nucleotide variant.
Coding change: c.1700A>G on transcript NM_001282874.2 (MANE Select); coding-DNA position 1700, A replaced by G.
Protein change: p.Lys567Arg; replaces lysine 567 with arginine.
Molecular consequence: missense variant.
Genome position (GRCh38, 1-based): chrX:129,492,056, T>C on the plus strand (A>G on the coding strand, the complement: SMARCA1 is on the minus strand). VCF-style: chrX-129492056-T-C. GRCh37 (hg19) VCF-style: chrX-128626033-T-C.
Other names: c.1664A>G, p.Lys555Arg (NM_001282875.2, NM_001378262.1, NM_001378263.1 and 1 more transcripts); c.1700A>G, p.Lys567Arg (NM_001378261.1, NM_003069.5); short protein forms K555R, K567R.
Identifiers: ClinVar variation 3899549 (VCV003899549.1).

ClinVar aggregate classification (germline): Uncertain significance (1 of 4 stars; one submission).

Submission:

GeneDx
Classification: Uncertain significance. Last evaluated: 2024-09-17. Review status: criteria provided, single submitter. Criteria: GeneDx Variant Classification Process June 2021. Collection method: clinical testing. Allele origin: germline. Affected: yes.
Comment: Not observed at significant frequency in large population cohorts (gnomAD); In silico analysis supports that this missense variant has a deleterious effect on protein structure/function; Has not been previously published as pathogenic or benign to our knowledge; Variants in candidate genes are classified as variants of uncertain significance in accordance with ACMG guidelines (PMID: 25741868)